The following is an entry in ClinVar:

ClinVar aggregate classification (germline): Uncertain significance. Review status: criteria provided, multiple submitters, no conflicts (2 of 4 stars). 3 submissions from 3 submitters: Uncertain significance (3). Last evaluated 2025-11-17.

Conditions:
Hereditary cancer-predisposing syndrome. Also called: Neoplastic Syndromes, Hereditary; Tumor predisposition; Hereditary Cancer Syndrome; Hereditary neoplastic syndrome. Identifiers: Orphanet 140162, MedGen C0027672, MeSH D009386, MONDO:0015356.
Familial cancer of breast. Also called: BREAST CANCER, FAMILIAL; hereditary breast carcinoma; Hereditary breast cancer. Identifiers: Orphanet 227535, MedGen C0346153, MONDO:0016419, OMIM 114480. Disease mechanism: loss of function.

Submissions (3):

Ambry Genetics
Classification: Uncertain significance for Hereditary cancer-predisposing syndrome. Last evaluated: 2025-11-17. Review status: criteria provided, single submitter. Criteria: Ambry Variant Classification Scheme 2023. Collection method: clinical testing. Allele origin: germline.
Comment: The p.T386S variant (also known as c.1157C>G), located in coding exon 4 of the PALB2 gene, results from a C to G substitution at nucleotide position 1157. The threonine at codon 386 is replaced by serine, an amino acid with similar properties. This amino acid position is poorly conserved in available vertebrate species. In addition, this alteration is predicted to be tolerated by in silico analysis. Since supporting evidence is limited at this time, the clinical significance of this alteration remains unclear.

Labcorp Genetics (formerly Invitae), Labcorp
Classification: Uncertain significance for Familial cancer of breast. Last evaluated: 2024-11-15. Review status: criteria provided, single submitter. Criteria: Invitae Variant Classification Sherloc (09022015). Collection method: clinical testing. Allele origin: germline.
Comment: This sequence change replaces threonine, which is neutral and polar, with serine, which is neutral and polar, at codon 386 of the PALB2 protein (p.Thr386Ser). This variant is not present in population databases (gnomAD no frequency). This variant has not been reported in the literature in individuals affected with PALB2-related conditions. ClinVar contains an entry for this variant (Variation ID: 234085). Invitae Evidence Modeling of protein sequence and biophysical properties (such as structural, functional, and spatial information, amino acid conservation, physicochemical variation, residue mobility, and thermodynamic stability) indicates that this missense variant is not expected to disrupt PALB2 protein function with a negative predictive value of 80%. In summary, the available evidence is currently insufficient to determine the role of this variant in disease. Therefore, it has been classified as a Variant of Uncertain Significance.

Quest Diagnostics Nichols Institute San Juan Capistrano
Classification: Uncertain significance. Last evaluated: 2023-06-22. Review status: criteria provided, single submitter. Criteria: Quest Diagnostics criteria. Collection method: clinical testing. Allele origin: unknown.
Comment: This variant has not been reported in the published literature. It also has not been reported in large, multi-ethnic general populations (Genome Aggregation Database). Analysis of this variant using bioinformatics tools for the prediction of the effect of amino acid changes on protein structure and function yielded predictions that this variant is benign. Based on the available information, we are unable to determine the clinical significance of this variant.

NM_024675.4(PALB2):c.1157C>G (p.Thr386Ser)

Gene: PALB2 (partner and localizer of BRCA2; minus strand). Cytogenetic location: 16p12.2.
Variant type: single nucleotide variant.
Coding change: c.1157C>G on transcript NM_024675.4 (MANE Select); coding-DNA position 1157, C replaced by G.
Protein change: p.Thr386Ser; replaces threonine 386 with serine.
Molecular consequence: missense variant.
Genome position (GRCh38, 1-based): chr16:23,635,389, G>C on the plus strand (C>G on the coding strand, the complement: PALB2 is on the minus strand). VCF-style: chr16-23635389-G-C. GRCh37 (hg19) VCF-style: chr16-23646710-G-C.
Other names: short protein forms T386S.
Identifiers: ClinVar variation 234085 (VCV000234085.16), dbSNP rs876660840, ClinGen allele CA10580019.